The following is an entry in ClinVar:

NM_006420.3(ARFGEF2):c.5228T>G (p.Met1743Arg)

Gene: ARFGEF2 (ARF guanine nucleotide exchange factor 2; plus strand). Cytogenetic location: 20q13.13.
Variant type: single nucleotide variant.
Coding change: c.5228T>G on transcript NM_006420.3 (MANE Select); coding-DNA position 5228, T replaced by G.
Protein change: p.Met1743Arg; replaces methionine 1743 with arginine.
Molecular consequence: missense variant.
Genome position (GRCh38, 1-based): chr20:49,033,069, T>G. VCF-style: chr20-49033069-T-G. GRCh37 (hg19) VCF-style: chr20-47649606-T-G.
Other names: c.5225T>G, p.Met1742Arg (NM_001410846.1); short protein forms M1743R, M1742R.
Identifiers: ClinVar variation 2481677 (VCV002481677.4), dbSNP rs367994107, ClinGen allele CA409339986.

ClinVar aggregate classification (germline): Uncertain significance. Review status: criteria provided, multiple submitters, no conflicts (2 of 4 stars). 2 submissions from 2 submitters: Uncertain significance (2). Last evaluated 2023-02-07.

Conditions:
Periventricular heterotopia with microcephaly, autosomal recessive (ARPHM). Also called: Periventricular heterotopia with microcephaly; PERIVENTRICULAR NODULAR HETEROTOPIA 2. Identifiers: Orphanet 2149, MedGen C1842563, MONDO:0011966, OMIM 608097.
Inborn genetic diseases. Identifiers: MedGen C0950123, MeSH D030342.

Submissions (2):

Ambry Genetics
Classification: Uncertain significance for Inborn genetic diseases. Last evaluated: 2023-02-07. Review status: criteria provided, single submitter. Criteria: Ambry Variant Classification Scheme 2023. Collection method: clinical testing. Allele origin: germline.

Juno Genomics, Hangzhou Juno Genomics, Inc
Classification: Uncertain significance for Periventricular heterotopia with microcephaly, autosomal recessive. Review status: criteria provided, single submitter. Criteria: ACMG Guidelines, 2015. Collection method: clinical testing. Allele origin: germline.
Comment: Absent from controls (or at extremely low frequency if recessive) in Genome Aggregation Database.;Multiple lines of computational evidence support a deleterious effect on the gene or gene product.;Missense variant in a gene that has a low rate of benign missense variation.